The following is an entry in ClinVar:

NM_006059.4(LAMC3):c.2891-8C>T

Gene: LAMC3 (laminin subunit gamma 3; plus strand). Cytogenetic location: 9q34.12.
Variant type: single nucleotide variant.
Coding change: c.2891-8C>T on transcript NM_006059.4 (MANE Select); 8 bases into the intron before coding-DNA position 2891, C replaced by T.
Molecular consequence: intron variant.
Genome position (GRCh38, 1-based): chr9:131,069,664, C>T. VCF-style: chr9-131069664-C-T. GRCh37 (hg19) VCF-style: chr9-133945051-C-T.
Identifiers: ClinVar variation 194753 (VCV000194753.67), dbSNP rs199535979, ClinGen allele CA206708.
Genomic context (GRCh38, chr9:131,069,664, plus strand): 5'-CTCTAAACCCAGCACGCACTGCCCCTGGCCCCTCTAAACCCAGCACGCACTGCCCCTGGC[C>T]CCTCTAGCCTGCAGGTGCTCCCCACTGGGCGCTGCCTCGGCCCAGTGCCACGAGAACGGC-3'

ClinVar aggregate classification (germline): Conflicting classifications of pathogenicity. Review status: criteria provided, conflicting classifications (1 of 4 stars). 10 submissions from 10 submitters: Uncertain significance (1); Benign (2); Likely benign (5). 2 of the submissions do not count toward it. Last evaluated 2026-06-01.

Conditions:
Left ventricular noncompaction. Identifiers: Orphanet 54260, MedGen C1960469, MONDO:0018901, HP:0030682.

Allele frequency attached by ClinVar (database versions not stated): ExAC 0.00034; 1000 Genomes Project 30x 0.00219; 1000 Genomes Project 0.00220; gnomAD exomes 0.00272 and 0.00470; ESP Exome Variant Server 0.00300; gnomAD 0.00339 and 0.00345; TOPMed 0.00345.
gnomAD v4.1: 7,349 of 1,596,980 alleles (0.46%); highest among the groups gnomAD compares: Middle Eastern, 0.57%; 34 homozygotes.

Submissions (10):

CeGaT Center for Human Genetics Tuebingen
Classification: Likely benign. Last evaluated: 2026-06-01. Review status: criteria provided, single submitter. Criteria: CeGaT Center For Human Genetics Tuebingen Variant Classification Criteria Version 2. Collection method: clinical testing. Allele origin: germline. Affected: yes. Observed: 14 variant alleles.
Comment: LAMC3: BP4, BS2

Labcorp Genetics (formerly Invitae), Labcorp
Classification: Likely benign. Last evaluated: 2026-02-03. Review status: criteria provided, single submitter. Criteria: Invitae Variant Classification Sherloc (09022015). Collection method: clinical testing. Allele origin: germline.

Blueprint Genetics
Classification: Likely benign. Last evaluated: 2024-11-25. Review status: criteria provided, single submitter. Criteria: ACMG Guidelines, 2015. Collection method: clinical testing. Allele origin: germline.

GeneDx
Classification: Likely benign. Last evaluated: 2021-01-11. Review status: criteria provided, single submitter. Criteria: GeneDx Variant Classification Process June 2021. Collection method: clinical testing. Allele origin: germline. Affected: yes.

Cambridge Genomics Laboratory, East Genomic Laboratory Hub, NHS Genomic Medicine Service
Classification: Benign for Left ventricular noncompaction. Last evaluated: 2020-02-11. Review status: criteria provided, single submitter. Criteria: ACGS Best Practice Guidelines for Variant Classification in Rare Disease 2020. Collection method: clinical testing. Allele origin: germline. Affected: yes. Observed: 1 variant allele.

Dubai Health Genomic Medicine Center, Dubai Health
Classification: Benign. Last evaluated: 2020-01-06. Review status: criteria provided, single submitter. Criteria: ACMG Guidelines, 2015. Collection method: clinical testing. Allele origin: germline. Affected: yes.

Genetic Services Laboratory, University of Chicago
Classification: Likely benign. Last evaluated: 2015-05-15. Review status: criteria provided, single submitter. Criteria: ACMG Guidelines, 2015. Collection method: clinical testing. Allele origin: germline.

Eurofins Ntd Llc (ga)
Classification: Uncertain significance. Last evaluated: 2014-12-08. Review status: criteria provided, single submitter. Criteria: EGL Classification Definitions 2015. Collection method: clinical testing. Allele origin: germline. Observed: 1 variant allele, 1 heterozygote.

Clinical Genetics DNA and cytogenetics Diagnostics Lab, Erasmus MC, Erasmus Medical Center
Classification: Benign. Review status: no assertion criteria provided. Collection method: clinical testing. Allele origin: germline. Affected: yes. Study: VKGL Data-share Consensus. Not counted in ClinVar's aggregate classification.

Genome Diagnostics Laboratory, Amsterdam University Medical Center
Classification: Likely benign. Review status: no assertion criteria provided. Collection method: clinical testing. Allele origin: germline. Affected: yes. Study: VKGL Data-share Consensus. Not counted in ClinVar's aggregate classification.